The following is an entry in ClinVar:

NM_031935.3(HMCN1):c.407G>T (p.Gly136Val)

Gene: HMCN1 (hemicentin 1; plus strand). Cytogenetic location: 1q31.1.
Variant type: single nucleotide variant.
Coding change: c.407G>T on transcript NM_031935.3 (MANE Select); coding-DNA position 407, G replaced by T.
Protein change: p.Gly136Val; replaces glycine 136 with valine.
Molecular consequence: missense variant.
Genome position (GRCh38, 1-based): chr1:185,864,537, G>T. VCF-style: chr1-185864537-G-T. GRCh37 (hg19) VCF-style: chr1-185833669-G-T.
Other names: short protein forms G136V.
Identifiers: ClinVar variation 1416092 (VCV001416092.6), dbSNP rs755376220, ClinGen allele CA343866069.
Genomic context (GRCh38, chr1:185,864,537, plus strand): 5'-GTGATTGCCCAGAAATGAGTATTGGAGCTATAAAAATTGCCTTGGAAATTTCTCTTCCTG[G>T]TTCTTTCATCTATGTTTTCACTGATGCTCGGTCCAAAGATTACCGGCTCACCCATGAGGT-3'
Protein context (NP_114141.2, residues 126-146): IKIALEISLP[Gly136Val]SFIYVFTDAR

ClinVar aggregate classification (germline): Uncertain significance (1 of 4 stars; one submission).

Submission:

Labcorp Genetics (formerly Invitae), Labcorp
Classification: Uncertain significance. Last evaluated: 2021-11-23. Review status: criteria provided, single submitter. Criteria: Invitae Variant Classification Sherloc (09022015). Collection method: clinical testing. Allele origin: germline.
Comment: In summary, the available evidence is currently insufficient to determine the role of this variant in disease. Therefore, it has been classified as a Variant of Uncertain Significance. Algorithms developed to predict the effect of missense changes on protein structure and function are either unavailable or do not agree on the potential impact of this missense change (SIFT: "Deleterious"; PolyPhen-2: "Possibly Damaging"; Align-GVGD: "Class C0"). This variant has not been reported in the literature in individuals affected with HMCN1-related conditions. This variant is not present in population databases (gnomAD no frequency). This sequence change replaces glycine, which is neutral and non-polar, with valine, which is neutral and non-polar, at codon 136 of the HMCN1 protein (p.Gly136Val).